The following is an entry in ClinVar:

NM_000180.4(GUCY2D):c.437C>T (p.Ala146Val)

Gene: GUCY2D (guanylate cyclase 2D, retinal; plus strand). Cytogenetic location: 17p13.1.
Variant type: single nucleotide variant.
Coding change: c.437C>T on transcript NM_000180.4 (MANE Select); coding-DNA position 437, C replaced by T.
Protein change: p.Ala146Val; replaces alanine 146 with valine.
Molecular consequence: missense variant.
Genome position (GRCh38, 1-based): chr17:8,003,484, C>T. VCF-style: chr17-8003484-C-T. GRCh37 (hg19) VCF-style: chr17-7906802-C-T.
Other names: short protein forms A146V.
Identifiers: ClinVar variation 3758306 (VCV003758306.2).

ClinVar aggregate classification (germline): Uncertain significance (1 of 4 stars; one submission).

Conditions:
Leber congenital amaurosis 1 (LCA1). Also called: AMAUROSIS CONGENITA OF LEBER I; Congenital absence of the rods and cones; Leber's congenital tapetoretinal degeneration; Leber's congenital tapetoretinal dysplasia; RETINAL BLINDNESS, CONGENITAL. Identifiers: Orphanet 65, MedGen C2931258, MONDO:0008764, OMIM 204000.
Cone-rod dystrophy 6 (CORD6). Also called: Cone dystrophy progressive; RETINAL CONE DYSTROPHY 2. Identifiers: Orphanet 1872, MedGen C1866293, MONDO:0011143, OMIM 601777.

Submission:

Labcorp Genetics (formerly Invitae), Labcorp
Classification: Uncertain significance for Leber congenital amaurosis 1; Cone-rod dystrophy 6. Last evaluated: 2024-09-22. Review status: criteria provided, single submitter. Criteria: Invitae Variant Classification Sherloc (09022015). Collection method: clinical testing. Allele origin: germline.
Comment: This sequence change replaces alanine, which is neutral and non-polar, with valine, which is neutral and non-polar, at codon 146 of the GUCY2D protein (p.Ala146Val). This variant is not present in population databases (gnomAD no frequency). This variant has not been reported in the literature in individuals affected with GUCY2D-related conditions. Invitae Evidence Modeling of protein sequence and biophysical properties (such as structural, functional, and spatial information, amino acid conservation, physicochemical variation, residue mobility, and thermodynamic stability) indicates that this missense variant is not expected to disrupt GUCY2D protein function with a negative predictive value of 80%. In summary, the available evidence is currently insufficient to determine the role of this variant in disease. Therefore, it has been classified as a Variant of Uncertain Significance.